The following is an entry in ClinVar:

ClinVar aggregate classification (germline): Uncertain significance (1 of 4 stars; one submission).

Submission:

GeneDx
Classification: Uncertain significance. Last evaluated: 2023-12-28. Review status: criteria provided, single submitter. Criteria: GeneDx Variant Classification Process June 2021. Collection method: clinical testing. Allele origin: germline. Affected: yes.
Comment: Not observed at significant frequency in large population cohorts (gnomAD); In silico analysis supports that this missense variant has a deleterious effect on protein structure/function; Has not been previously published as pathogenic or benign to our knowledge

NM_001127222.2(CACNA1A):c.1205T>C (p.Val402Ala)

Gene: CACNA1A (calcium voltage-gated channel subunit alpha1 A; minus strand). Cytogenetic location: 19p13.13.
Variant type: single nucleotide variant.
Coding change: c.1205T>C on transcript NM_001127222.2 (MANE Select); coding-DNA position 1205, T replaced by C.
Protein change: p.Val402Ala; replaces valine 402 with alanine.
Molecular consequence: missense variant.
Genome position (GRCh38, 1-based): chr19:13,332,919, A>G on the plus strand (T>C on the coding strand, the complement: CACNA1A is on the minus strand). VCF-style: chr19-13332919-A-G. GRCh37 (hg19) VCF-style: chr19-13443733-A-G.
Other names: c.1205T>C, p.Val402Ala (NM_000068.4, NM_001127221.2, NM_001174080.2 and 1 more transcripts); short protein forms V402A.
Identifiers: ClinVar variation 3367245 (VCV003367245.1).